The following is an entry in ClinVar:

ClinVar aggregate classification (germline): Uncertain significance (1 of 4 stars; one submission).

Conditions:
Familial thoracic aortic aneurysm and aortic dissection (TAAD). Also called: Thoracic aortic aneurysms and dissections. Identifiers: Orphanet 91387, MedGen C4707243, MONDO:0019625.

Submission:

Ambry Genetics
Classification: Uncertain significance for Familial thoracic aortic aneurysm and aortic dissection. Last evaluated: 2024-04-23. Review status: criteria provided, single submitter. Criteria: Ambry Variant Classification Scheme 2023. Collection method: clinical testing. Allele origin: germline.
Comment: The c.4480_4490del11 variant, located in coding exon 31 of the MYH11 gene, results from a deletion of 11 nucleotides at nucleotide positions 4480 to 4490, causing a translational frameshift with a predicted alternate stop codon (p.E1494Sfs*25). This alteration is expected to result in loss of function by premature protein truncation or nonsense-mediated mRNA decay. Although biallelic loss of function of MYH11 has been associated with megacystis-microcolon-intestinal hypoperistalsis syndrome, haploinsufficiency of MYH11 has not been established as a mechanism of disease for thoracic aortic aneurysm and dissection. Based on the supporting evidence, this variant is expected to be causative of MYH11-related megacystis-microcolon-intestinal hypoperistalsis syndrome when present along with a second pathogenic variant on the other allele; however, its clinical significance for MYH11-related thoracic aortic aneurysm and dissection is unclear.

NM_002474.3(MYH11):c.4480_4490del (p.Glu1494fs)

Genes: MYH11 (myosin heavy chain 11; minus strand), NDE1 (nudE neurodevelopment protein 1; plus strand). Cytogenetic location: 16p13.11.
Variant type: Deletion.
Coding change: c.4480_4490del on transcript NM_002474.3 (MANE Select); coding-DNA positions 4480 to 4490, 11 bases deleted (GAGGCCTTGGA).
Protein change: p.Glu1494fs; shifts the reading frame from glutamic acid 1494.
Molecular consequence: frameshift variant. On other transcripts: intron variant (2).
Genome position (GRCh38, 1-based): chr16:15,721,510-15,721,520, TCCAAGGCCTC deleted on the plus strand (GAGGCCTTGGA on the coding strand, the reverse complement: MYH11 is on the minus strand); deleting any 11 consecutive bases within chr16:15,721,510-15,721,521 gives the same sequence; the c. name uses the placement nearest the transcript's 3' end. VCF-style (leftmost placement, unchanged base first): chr16-15721509-TTCCAAGGCCTC-T. GRCh37 (hg19) VCF-style: chr16-15815366-TTCCAAGGCCTC-T.
Other names: c.4501_4511del, p.Glu1501fs (NM_001040113.2, NM_001040114.2); c.4480_4490del, p.Glu1494fs (NM_022844.3); c.948-2680_948-2670del (NM_001143979.2, NM_017668.3); short protein forms E1494fs, E1501fs.
Identifiers: ClinVar variation 3297355 (VCV003297355.1).
Genomic context (GRCh38, chr16:15,721,509, plus strand): 5'-GACCAGGTCTTCCATTTCGGCTTTGAGCATTTTGTTGGTCCGCTCGAGTTCCTCTTTGGC[TTCCAAGGCCTC>T]TTCAAGGGCCCGAGCCAGGGACAGGGCCTTGGTTTCCTTCTCCCTGGCTTCTGCCTCAGC-3'